The following is an entry in ClinVar:

NM_015665.6(AAAS):c.1389del (p.Phe464fs)

Gene: AAAS (aladin WD repeat nucleoporin; minus strand). Cytogenetic location: 12q13.13.
Variant type: Deletion.
Coding change: c.1389del on transcript NM_015665.6 (MANE Select); coding-DNA position 1389, one base deleted (C; older notation c.1389delC).
Protein change: p.Phe464fs; shifts the reading frame from phenylalanine 464.
Molecular consequence: frameshift variant.
Genome position (GRCh38, 1-based): chr12:53,307,872, G deleted on the plus strand (C on the coding strand, the reverse complement: AAAS is on the minus strand); the first of 2 consecutive G bases (chr12:53,307,872-53,307,873); deleting either gives the same sequence. VCF-style (leftmost placement, unchanged base first): chr12-53307871-AG-A. GRCh37 (hg19) VCF-style: chr12-53701655-AG-A.
Other names: c.1290del, p.Phe431fs (NM_001173466.2); short protein forms F431fs, F464fs.
Identifiers: ClinVar variation 3771174 (VCV003771174.13), dbSNP rs2121080959.
Genomic context (GRCh38, chr12:53,307,871, plus strand): 5'-ACTCCTGGAAGCCCCAGCAGCCTGGCGCACTCACCACACTGAGCAGGGCCCCTTTGTTGA[AG>A]GAAGGATGGAAAGTGATGAGCTGGGGCTGGGCTCCTGGCTCCCCCTGGATAATGCCACTA-3'

ClinVar aggregate classification (germline): Pathogenic (1 of 4 stars; one submission).

Submission:

CeGaT Center for Human Genetics Tuebingen
Classification: Pathogenic. Last evaluated: 2025-01-01. Review status: criteria provided, single submitter. Criteria: CeGaT Center For Human Genetics Tuebingen Variant Classification Criteria Version 2. Collection method: clinical testing. Allele origin: germline. Affected: yes. Observed: 1 variant allele.
Comment: AAAS: PVS1, PM2